The following is an entry in ClinVar:

NM_024854.5(PYROXD1):c.381T>C (p.Tyr127=)

Gene: PYROXD1 (pyridine nucleotide-disulphide oxidoreductase domain 1; plus strand). Cytogenetic location: 12p12.1.
Variant type: single nucleotide variant.
Coding change: c.381T>C on transcript NM_024854.5 (MANE Select); coding-DNA position 381, T replaced by C.
Protein change: p.Tyr127=; no amino-acid change (tyrosine 127 retained).
Molecular consequence: synonymous variant. On other transcripts: 5 prime UTR variant (1).
Genome position (GRCh38, 1-based): chr12:21,449,658, T>C. VCF-style: chr12-21449658-T-C. GRCh37 (hg19) VCF-style: chr12-21602592-T-C.
Other names: c.168T>C, p.Tyr56= (NM_001350912.2); c.-323T>C (NM_001350913.2).
Identifiers: ClinVar variation 4874811 (VCV004874811.2).

ClinVar aggregate classification (germline): Likely benign (1 of 4 stars; one submission).

gnomAD v4.1: 8 of 1,613,350 alleles (0.0005%); highest among the groups gnomAD compares: Admixed American, 0.0067%; no homozygotes.

Submission:

CeGaT Center for Human Genetics Tuebingen
Classification: Likely benign. Last evaluated: 2026-04-01. Review status: criteria provided, single submitter. Criteria: CeGaT Center For Human Genetics Tuebingen Variant Classification Criteria Version 2. Collection method: clinical testing. Allele origin: germline. Affected: yes. Observed: 1 variant allele.
Comment: PYROXD1: BP4, BP7